The following is an entry in ClinVar:

NM_016203.4(PRKAG2):c.895A>G (p.Asn299Asp)

Gene: PRKAG2 (protein kinase AMP-activated non-catalytic subunit gamma 2; minus strand). Cytogenetic location: 7q36.1.
Variant type: single nucleotide variant.
Coding change: c.895A>G on transcript NM_016203.4 (MANE Select); coding-DNA position 895, A replaced by G.
Protein change: p.Asn299Asp; replaces asparagine 299 with aspartic acid.
Molecular consequence: missense variant.
Genome position (GRCh38, 1-based): chr7:151,576,422, T>C on the plus strand (A>G on the coding strand, the complement: PRKAG2 is on the minus strand). VCF-style: chr7-151576422-T-C. GRCh37 (hg19) VCF-style: chr7-151273508-T-C.
Other names: c.892A>G, p.Asn298Asp (NM_001407022.1, NM_001407023.1); c.763A>G, p.Asn255Asp (NM_001407024.1, NM_001040633.2); c.760A>G, p.Asn254Asp (NM_001407026.1, NM_001407027.1); c.523A>G, p.Asn175Asp (NM_001407028.1, NM_001363698.2); c.520A>G, p.Asn174Asp (NM_001407029.1, NM_001304527.2); c.607A>G, p.Asn203Asp (NM_001407030.1); c.604A>G, p.Asn202Asp (NM_001407031.1); c.172A>G, p.Asn58Asp (NM_024429.2, NM_001304531.2, NM_001407034.1 and 1 more transcripts); and 6 more; short protein forms N174D, N175D, N191D, N193D, N202D, N203D, N254D, N255D.
Identifiers: ClinVar variation 4757512 (VCV004757512.1).

ClinVar aggregate classification (germline): Uncertain significance (1 of 4 stars; one submission).

Conditions:
Cardiomyopathy (CMYO). Also called: Cardiomyopathies. Identifiers: Orphanet 167848, MedGen C0878544, MONDO:0004994, HP:0001638. Inheritance: Various modes of inheritance.

Submission:

Color Diagnostics, LLC DBA Color Health
Classification: Uncertain significance for Cardiomyopathy. Last evaluated: 2025-07-07. Review status: criteria provided, single submitter. Criteria: ACMG Guidelines, 2015. Collection method: clinical testing. Allele origin: germline.
Comment: This missense variant replaces asparagine with aspartic acid at codon 299 of the PRKAG2 protein. Computational prediction suggests that this variant may have deleterious impact on protein structure and function. To our knowledge, functional studies have not been reported for this variant. This variant has not been reported in individuals affected with PRKAG2-related disorders in the literature. This variant has not been identified in the general population by the Genome Aggregation Database (gnomAD). The available evidence is insufficient to determine the role of this variant in disease conclusively. Therefore, this variant is classified as a Variant of Uncertain Significance.